The following is an entry in ClinVar:

NM_000553.6(WRN):c.175G>T (p.Ala59Ser)

Gene: WRN (WRN RecQ like helicase; plus strand). Cytogenetic location: 8p12.
Variant type: single nucleotide variant.
Coding change: c.175G>T on transcript NM_000553.6 (MANE Select); coding-DNA position 175, G replaced by T.
Protein change: p.Ala59Ser; replaces alanine 59 with serine.
Molecular consequence: missense variant.
Genome position (GRCh38, 1-based): chr8:31,059,231, G>T. VCF-style: chr8-31059231-G-T. GRCh37 (hg19) VCF-style: chr8-30916747-G-T.
Other names: short protein forms A59S.
Identifiers: ClinVar variation 949520 (VCV000949520.6), dbSNP rs1460186288, ClinGen allele CA370912627.

ClinVar aggregate classification (germline): Uncertain significance (1 of 4 stars; one submission).

Conditions:
Werner syndrome (WRN). Identifiers: Orphanet 902, MedGen C0043119, MONDO:0010196, OMIM 277700.

Allele frequency attached by ClinVar (database versions not stated): gnomAD exomes below 0.00001 and 0.00001.
gnomAD v4.1: 7 of 1,613,818 alleles (0.00043%); highest among the groups gnomAD compares: Non-Finnish European, 0.00051%; no homozygotes.

Submission:

Labcorp Genetics (formerly Invitae), Labcorp
Classification: Uncertain significance for Werner syndrome. Last evaluated: 2023-08-24. Review status: criteria provided, single submitter. Criteria: Invitae Variant Classification Sherloc (09022015). Collection method: clinical testing. Allele origin: germline.
Comment: In summary, the available evidence is currently insufficient to determine the role of this variant in disease. Therefore, it has been classified as a Variant of Uncertain Significance. An algorithm developed to predict the effect of missense changes on protein structure and function (PolyPhen-2) suggests that this variant is likely to be disruptive. ClinVar contains an entry for this variant (Variation ID: 949520). This variant has not been reported in the literature in individuals affected with WRN-related conditions. This variant is present in population databases (no rsID available, gnomAD 0.002%). This sequence change replaces alanine, which is neutral and non-polar, with serine, which is neutral and polar, at codon 59 of the WRN protein (p.Ala59Ser).